The following is an entry in ClinVar:

ClinVar aggregate classification (germline): Uncertain significance. Review status: criteria provided, multiple submitters, no conflicts (2 of 4 stars). 3 submissions from 3 submitters: Uncertain significance (3). Last evaluated 2025-11-23.

Conditions:
Fleck corneal dystrophy (CFD). Also called: CORNEAL DYSTROPHY, FRANCOIS-NEETENS SPECKLED OR FLECKED. Identifiers: Orphanet 98970, MedGen C1562113, MONDO:0007376, OMIM 121850.

Allele frequency attached by ClinVar (database versions not stated): gnomAD exomes below 0.00001 and 0.00001; gnomAD 0.00001; TOPMed 0.00003.
gnomAD v4.1: 12 of 1,613,984 alleles (0.00074%); highest among the groups gnomAD compares: East Asian, 0.013%; no homozygotes.

Submissions (3):

Labcorp Genetics (formerly Invitae), Labcorp
Classification: Uncertain significance. Last evaluated: 2025-11-23. Review status: criteria provided, single submitter. Criteria: Invitae Variant Classification Sherloc (09022015). Collection method: clinical testing. Allele origin: germline.
Comment: This sequence change replaces arginine, which is basic and polar, with histidine, which is basic and polar, at codon 103 of the PIKFYVE protein (p.Arg103His). This variant is present in population databases (no rsID available, gnomAD 0.008%). This variant has not been reported in the literature in individuals affected with PIKFYVE-related conditions. ClinVar contains an entry for this variant (Variation ID: 897239). An algorithm developed to predict the effect of missense changes on protein structure and function (PolyPhen-2) suggests that this variant is likely to be disruptive. In summary, the available evidence is currently insufficient to determine the role of this variant in disease. Therefore, it has been classified as a Variant of Uncertain Significance.

Neuberg Centre For Genomic Medicine, NCGM
Classification: Uncertain significance for Fleck corneal dystrophy. Last evaluated: 2023-05-20. Review status: criteria provided, single submitter. Criteria: ACMG Guidelines, 2015. Collection method: clinical testing. Allele origin: germline. Inheritance: Autosomal dominant inheritance. Affected: yes.
Comment: The observed missense c.308G>A (p.Arg103His) variant in PIKFYVE gene has not been reported previously as a pathogenic variant nor as a benign variant, to our knowledge. The p.Arg103His variant is present with allele frequency of 0.0004% in gnomAD Exomes. This variant has been submitted to the ClinVar database as Uncertain Significance. Multiple lines of computational evidence (Polyphen - Probably Damaging, SIFT - Damaging and MutationTaster - Disease causing) predict a damaging effect on protein structure and function for this variant. The reference amino acid of p.Arg103His in PIKFYVE is predicted as conserved by GERP++ and PhyloP across 100 vertebrates. The amino acid Arg at position 103 is changed to a His changing protein sequence and it might alter its composition and physico-chemical properties. For these reasons, this variant has been classified as a Variant of Uncertain Significance (VUS).

Illumina Laboratory Services, Illumina
Classification: Uncertain significance for Fleck corneal dystrophy. Last evaluated: 2017-04-27. Review status: criteria provided, single submitter. Criteria: ICSL Variant Classification Criteria 13 December 2019. Collection method: clinical testing. Allele origin: germline.

NM_015040.4(PIKFYVE):c.308G>A (p.Arg103His)

Gene: PIKFYVE (phosphoinositide kinase, FYVE-type zinc finger containing; plus strand). Cytogenetic location: 2q34.
Variant type: single nucleotide variant.
Coding change: c.308G>A on transcript NM_015040.4 (MANE Select); coding-DNA position 308, G replaced by A.
Protein change: p.Arg103His; replaces arginine 103 with histidine.
Molecular consequence: missense variant.
Genome position (GRCh38, 1-based): chr2:208,273,719, G>A. VCF-style: chr2-208273719-G-A. GRCh37 (hg19) VCF-style: chr2-209138443-G-A.
Other names: c.308G>A, p.Arg103His (NM_001178000.2, NM_152671.4); short protein forms R103H.
Identifiers: ClinVar variation 897239 (VCV000897239.6), dbSNP rs891262232, ClinGen allele CA64553142.